The following is an entry in ClinVar:

NM_182961.4(SYNE1):c.3446G>A (p.Gly1149Glu)

Gene: SYNE1 (spectrin repeat containing nuclear envelope protein 1; minus strand). Cytogenetic location: 6q25.2.
Variant type: single nucleotide variant.
Coding change: c.3446G>A on transcript NM_182961.4 (MANE Select); coding-DNA position 3446, G replaced by A.
Protein change: p.Gly1149Glu; replaces glycine 1149 with glutamic acid.
Molecular consequence: missense variant.
Genome position (GRCh38, 1-based): chr6:152,449,591, C>T on the plus strand (G>A on the coding strand, the complement: SYNE1 is on the minus strand). VCF-style: chr6-152449591-C-T. GRCh37 (hg19) VCF-style: chr6-152770726-C-T.
Other names: c.3467G>A, p.Gly1156Glu (NM_033071.5); short protein forms G1149E, G1156E.
Identifiers: ClinVar variation 665322 (VCV000665322.8), dbSNP rs1592939078, ClinGen allele CA366149044.
Genomic context (GRCh38, chr6:152,449,591, plus strand): 5'-ACTTCAACGGCACGTTTAACCTCTCCGTGGTTGGCAGTATCGATGGCCTCACCCTTGATC[C>T]CCTTTAATTGTGTCTCATTTGTAGATATCCAAGATGAGAACTCAGAGAATCTGAAATAAC-3'
Protein context (NP_892006.3, residues 1139-1159): WISTNETQLK[Gly1149Glu]IKGEAIDTAN

ClinVar aggregate classification (germline): Uncertain significance (1 of 4 stars; one submission).

Conditions:
Emery-Dreifuss muscular dystrophy 4, autosomal dominant (EDMD4). Also called: EMERY-DREIFUSS MUSCULAR DYSTROPHY 4 WITH VARIABLE FEATURES. Identifiers: Orphanet 261, MedGen C2751807, MONDO:0013071, OMIM 612998.
Autosomal recessive ataxia, Beauce type. Also called: Spinocerebellar ataxia, autosomal recessive 8; ATAXIA, RECESSIVE, OF BEAUCE; SYNE1-Related Autosomal Recessive Cerebellar Ataxia; SYNE1 Deficiency. Identifiers: Orphanet 88644, MedGen C1853116, MONDO:0012549, OMIM 610743.

Allele frequency attached by ClinVar (database versions not stated): gnomAD exomes below 0.00001.
gnomAD v4.1: 3 of 1,614,038 alleles (0.00019%); highest among the groups gnomAD compares: Non-Finnish European, 0.00025%; no homozygotes.

Submission:

Labcorp Genetics (formerly Invitae), Labcorp
Classification: Uncertain significance for Emery-Dreifuss muscular dystrophy 4, autosomal dominant; Autosomal recessive ataxia, Beauce type. Last evaluated: 2022-07-06. Review status: criteria provided, single submitter. Criteria: Invitae Variant Classification Sherloc (09022015). Collection method: clinical testing. Allele origin: germline.
Comment: This sequence change replaces glycine, which is neutral and non-polar, with glutamic acid, which is acidic and polar, at codon 1156 of the SYNE1 protein (p.Gly1156Glu). This variant is not present in population databases (gnomAD no frequency). This variant has not been reported in the literature in individuals affected with SYNE1-related conditions. ClinVar contains an entry for this variant (Variation ID: 665322). Algorithms developed to predict the effect of missense changes on protein structure and function output the following: SIFT: "Tolerated"; PolyPhen-2: "Benign"; Align-GVGD: "Class C0". The glutamic acid amino acid residue is found in multiple mammalian species, which suggests that this missense change does not adversely affect protein function. In summary, the available evidence is currently insufficient to determine the role of this variant in disease. Therefore, it has been classified as a Variant of Uncertain Significance.